The following is an entry in ClinVar:

NM_001378452.1(ITPR1):c.3575G>A (p.Arg1192Gln)

Gene: ITPR1 (inositol 1,4,5-trisphosphate receptor type 1; plus strand). Cytogenetic location: 3p26.1.
Variant type: single nucleotide variant.
Coding change: c.3575G>A on transcript NM_001378452.1 (MANE Select); coding-DNA position 3575, G replaced by A.
Protein change: p.Arg1192Gln; replaces arginine 1192 with glutamine.
Molecular consequence: missense variant.
Genome position (GRCh38, 1-based): chr3:4,685,079, G>A. VCF-style: chr3-4685079-G-A. GRCh37 (hg19) VCF-style: chr3-4726763-G-A.
Other names: c.3548G>A, p.Arg1183Gln (NM_001099952.4); c.3530G>A, p.Arg1177Gln (NM_001168272.2); c.3503G>A, p.Arg1168Gln (NM_002222.7); short protein forms R1168Q, R1177Q, R1183Q, R1192Q.
Identifiers: ClinVar variation 2504878 (VCV002504878.6), dbSNP rs558139013, ClinGen allele CA2231746.
Genomic context (GRCh38, chr3:4,685,079, plus strand): 5'-TCCAGCTATAGTTCCTAGTTTTCTGAGACTGATTTCTTTCATTCTACTAGATTTTGATTC[G>A]GCTTAGCAAACTCTGTGTTCAAGAGAGTGCCTCAGTGAGAAAGAGCAGGAAGCAGCAACA-3'
Protein context (NP_001365381.1, residues 1182-1202): NYRVVKEILI[Arg1192Gln]LSKLCVQESA

ClinVar aggregate classification (germline): Uncertain significance. Review status: criteria provided, multiple submitters, no conflicts (2 of 4 stars). 3 submissions from 3 submitters: Uncertain significance (3). Last evaluated 2026-01-04.

Conditions:
Inborn genetic diseases. Identifiers: MedGen C0950123, MeSH D030342.

Allele frequency attached by ClinVar (database versions not stated): TOPMed 0.00003; ExAC 0.00005; gnomAD exomes 0.00006; 1000 Genomes Project 30x 0.00016; 1000 Genomes Project 0.00020.
gnomAD v4.1: 89 of 1,609,326 alleles (0.0055%); highest among the groups gnomAD compares: Non-Finnish European, 0.0073%; no homozygotes.

Submissions (3):

Labcorp Genetics (formerly Invitae), Labcorp
Classification: Uncertain significance. Last evaluated: 2026-01-04. Review status: criteria provided, single submitter. Criteria: Invitae Variant Classification Sherloc (09022015). Collection method: clinical testing. Allele origin: germline.
Comment: This sequence change replaces arginine, which is basic and polar, with glutamine, which is neutral and polar, at codon 1168 of the ITPR1 protein (p.Arg1168Gln). This variant is present in population databases (rs558139013, gnomAD 0.006%). This variant has not been reported in the literature in individuals affected with ITPR1-related conditions. ClinVar contains an entry for this variant (Variation ID: 2504878). Invitae Evidence Modeling of protein sequence and biophysical properties (such as structural, functional, and spatial information, amino acid conservation, physicochemical variation, residue mobility, and thermodynamic stability) has been performed for this missense variant. However, the output from this modeling did not meet the statistical confidence thresholds required to predict the impact of this variant on ITPR1 protein function. In summary, the available evidence is currently insufficient to determine the role of this variant in disease. Therefore, it has been classified as a Variant of Uncertain Significance.

Ambry Genetics
Classification: Uncertain significance for Inborn genetic diseases. Last evaluated: 2025-09-25. Review status: criteria provided, single submitter. Criteria: Ambry Variant Classification Scheme 2023. Collection method: clinical testing. Allele origin: germline.

GeneDx
Classification: Uncertain significance. Last evaluated: 2024-07-26. Review status: criteria provided, single submitter. Criteria: GeneDx Variant Classification Process June 2021. Collection method: clinical testing. Allele origin: germline.
Comment: In silico analysis supports that this missense variant has a deleterious effect on protein structure/function; Has not been previously published as pathogenic or benign to our knowledge